The following is an entry in ClinVar:

ClinVar aggregate classification (germline): Uncertain significance. Review status: criteria provided, multiple submitters, no conflicts (2 of 4 stars). 9 submissions from 9 submitters: Uncertain significance (8). 1 of the submissions does not count toward it. Last evaluated 2026-09-30.

Conditions:
CDH23-related disorder. Also called: CDH23-related condition; CDH23-related disorders.
Usher syndrome type 1D (USH1D). Also called: USHER SYNDROME, TYPE ID. Identifiers: Orphanet 231169, Orphanet 886, MedGen C1832845, MONDO:0010984, OMIM 601067.
Autosomal recessive nonsyndromic hearing loss 12. Also called: DEAFNESS, AUTOSOMAL RECESSIVE 12. Identifiers: Orphanet 90636, MedGen C1832394, MONDO:0011067, OMIM 601386.
Pituitary adenoma 5, multiple types. Identifiers: MedGen C4539685, MONDO:0054601, OMIM 617540.
Usher syndrome type 1 (USH1). Also called: RETINITIS PIGMENTOSA AND CONGENITAL DEAFNESS. Identifiers: Orphanet 231169, Orphanet 886, MedGen C1568247, MONDO:0010168, OMIM 276900.

Allele frequency attached by ClinVar (database versions not stated): ExAC 0.00012; TOPMed 0.00014; gnomAD 0.00009 and 0.00010; gnomAD exomes 0.00014 and 0.00028.
gnomAD v4.1: 437 of 1,613,740 alleles (0.027%); highest among the groups gnomAD compares: Non-Finnish European, 0.034%; no homozygotes.

Submissions (9):

GeneDx
Classification: Uncertain significance. Last evaluated: 2026-09-30. Review status: criteria provided, single submitter. Criteria: GeneDx Variant Classification Process June 2021. Collection method: clinical testing. Allele origin: germline.
Comment: In silico analysis suggests that this missense variant does not alter protein structure/function; This variant is associated with the following publications: (PMID: 30459346)

PreventionGenetics, part of Exact Sciences
Classification: Uncertain significance for CDH23-related condition. Last evaluated: 2026-06-16. Review status: criteria provided, single submitter. Criteria: ACMG Guidelines, 2015. Collection method: clinical testing. Allele origin: germline.
Comment: The CDH23 c.3115G>A variant is predicted to result in the amino acid substitution p.Val1039Met. This variant has been reported along with a second CDH23 variant in an individual with Usher syndrome (Fuster-García et al. 2018. PubMed ID: 30459346). This variant is present in 0.023% of alleles in individuals of European (Non-Finnish) descent in gnomAD. At this time, the clinical significance of this variant is uncertain due to the absence of conclusive functional and genetic evidence.

Blueprint Genetics
Classification: Uncertain significance. Last evaluated: 2024-11-11. Review status: criteria provided, single submitter. Criteria: ACMG Guidelines, 2015. Collection method: clinical testing. Allele origin: germline.

Women's Health and Genetics/Laboratory Corporation of America, LabCorp
Classification: Uncertain significance. Last evaluated: 2023-02-03. Review status: criteria provided, single submitter. Criteria: LabCorp Variant Classification Summary - May 2015. Collection method: clinical testing. Allele origin: germline.
Comment: Variant summary: CDH23 c.3115G>A (p.Val1039Met) results in a conservative amino acid change in the encoded protein sequence. Three of five in-silico tools predict a benign effect of the variant on protein function. The variant allele was found at a frequency of 0.00014 in 248680 control chromosomes. This frequency is not higher than expected for a pathogenic variant in CDH23 causing Usher Syndrome (0.00014 vs 0.0032), allowing no conclusion about variant significance. c.3115G>A has been reported in the literature in one individual affected with Usher Syndrome (Fuster-Garcia_2018). This report does not provide unequivocal conclusions about association of the variant with Usher Syndrome . To our knowledge, no experimental evidence demonstrating an impact on protein function has been reported. Five clinical diagnostic laboratories have submitted clinical-significance assessments for this variant to ClinVar after 2014 and classified the variant as uncertain significance. Based on the evidence outlined above, the variant was classified as uncertain significance.

Department of Pathology and Laboratory Medicine, Sinai Health System
Classification: Uncertain significance for Usher syndrome type 1D. Last evaluated: 2022-10-14. Review status: criteria provided, single submitter. Criteria: ACMG Guidelines, 2015. Collection method: research. Allele origin: germline.

Labcorp Genetics (formerly Invitae), Labcorp
Classification: Uncertain significance. Last evaluated: 2022-09-06. Review status: criteria provided, single submitter. Criteria: Invitae Variant Classification Sherloc (09022015). Collection method: clinical testing. Allele origin: germline.
Comment: This sequence change replaces valine, which is neutral and non-polar, with methionine, which is neutral and non-polar, at codon 1039 of the CDH23 protein (p.Val1039Met). This variant is present in population databases (rs781597943, gnomAD 0.02%). This missense change has been observed in individual(s) with Usher syndrome (PMID: 30459346). ClinVar contains an entry for this variant (Variation ID: 930069). Algorithms developed to predict the effect of missense changes on protein structure and function are either unavailable or do not agree on the potential impact of this missense change (SIFT: "Deleterious"; PolyPhen-2: "Not Available"; Align-GVGD: "Class C0"). In summary, the available evidence is currently insufficient to determine the role of this variant in disease. Therefore, it has been classified as a Variant of Uncertain Significance.

Fulgent Genetics
Classification: Uncertain significance for Usher syndrome type 1D; Autosomal recessive nonsyndromic hearing loss 12; Pituitary adenoma 5, multiple types. Last evaluated: 2021-08-20. Review status: criteria provided, single submitter. Criteria: ACMG Guidelines, 2015. Collection method: clinical testing. Allele origin: unknown.

Laboratory for Molecular Medicine, Mass General Brigham Personalized Medicine
Classification: Uncertain significance. Last evaluated: 2019-08-12. Review status: criteria provided, single submitter. Criteria: LMM Criteria. Collection method: clinical testing. Allele origin: germline. Observed: 1 variant allele.
Comment: The p.Val1039Met variant in CDH23 has been previously reported in 1 individual with Usher syndrome who also had a second variant in CDH23, though it does not appear that phasing was performed (Fuster Garcia 2018). It has also been identified in 0.02% (26/112538) of European chromosomes by gnomAD. Computational prediction tools and conservation analysis suggest that this variant may not impact the protein, though this information is not predictive enough to rule out pathogenicity. In summary, the clinical significance of the p.Val1039Met variant is uncertain. ACMG/AMP Criteria applied: PM2_Supporting, BP4.

Natera, Inc.
Classification: Uncertain significance for Usher syndrome type 1. Last evaluated: 2020-04-13. Review status: no assertion criteria provided. Collection method: clinical testing. Allele origin: germline. Not counted in ClinVar's aggregate classification.

Literature cited by the submitters: PubMed 30459346 (cited by 3 submitters).

NM_022124.6(CDH23):c.3115G>A (p.Val1039Met)

Gene: CDH23 (cadherin related 23; plus strand). Cytogenetic location: 10q22.1.
Variant type: single nucleotide variant.
Coding change: c.3115G>A on transcript NM_022124.6 (MANE Select); coding-DNA position 3115, G replaced by A.
Protein change: p.Val1039Met; replaces valine 1039 with methionine.
Molecular consequence: missense variant.
Genome position (GRCh38, 1-based): chr10:71,709,106, G>A. VCF-style: chr10-71709106-G-A. GRCh37 (hg19) VCF-style: chr10-73468863-G-A.
Other names: c.3115G>A, p.Val1039Met (NM_001171930.2); short protein forms V1039M.
Identifiers: ClinVar variation 930069 (VCV000930069.19), dbSNP rs781597943, ClinGen allele CA5544486.
Genomic context (GRCh38, chr10:71,709,106, plus strand): 5'-CTGGCCGGGAGCTCTGTTTCCCAGCCGGAAGCTTCCTCTCCTTCACCCACAGGTGGCAAC[G>A]TGGATGGGAAGTTCAGCGTGGGTTACCGCGATGCCGTTGTGAGAACCGTGGTGGGCCTGG-3'
Protein context (NP_071407.4, residues 1029-1049): ELSYFITGGN[Val1039Met]DGKFSVGYRD